The following is an entry in ClinVar:

NM_006269.2(RP1):c.2582A>G (p.Asp861Gly)

Gene: RP1 (RP1 axonemal microtubule associated; plus strand). Cytogenetic location: 8q12.1.
Variant type: single nucleotide variant.
Coding change: c.2582A>G on transcript NM_006269.2 (MANE Select); coding-DNA position 2582, A replaced by G.
Protein change: p.Asp861Gly; replaces aspartic acid 861 with glycine.
Molecular consequence: missense variant. On other transcripts: intron variant (1).
Genome position (GRCh38, 1-based): chr8:54,626,464, A>G. VCF-style: chr8-54626464-A-G. GRCh37 (hg19) VCF-style: chr8-55539024-A-G.
Other names: c.787+4176A>G (NM_001375654.1); short protein forms D861G.
Identifiers: ClinVar variation 3708863 (VCV003708863.2).

ClinVar aggregate classification (germline): Uncertain significance (1 of 4 stars; one submission).

gnomAD v4.1: 8 of 1,613,826 alleles (0.0005%); highest among the groups gnomAD compares: African/African-American, 0.008%; no homozygotes.

Submission:

Labcorp Genetics (formerly Invitae), Labcorp
Classification: Uncertain significance. Last evaluated: 2024-10-17. Review status: criteria provided, single submitter. Criteria: Invitae Variant Classification Sherloc (09022015). Collection method: clinical testing. Allele origin: germline.
Comment: This sequence change replaces aspartic acid, which is acidic and polar, with glycine, which is neutral and non-polar, at codon 861 of the RP1 protein (p.Asp861Gly). This variant is present in population databases (rs532421302, gnomAD 0.008%). This variant has not been reported in the literature in individuals affected with RP1-related conditions. An algorithm developed to predict the effect of missense changes on protein structure and function outputs the following: PolyPhen-2: "Benign". The glycine amino acid residue is found in multiple mammalian species, which suggests that this missense change does not adversely affect protein function. In summary, the available evidence is currently insufficient to determine the role of this variant in disease. Therefore, it has been classified as a Variant of Uncertain Significance.